The following is an entry in ClinVar:

ClinVar aggregate classification (germline): Conflicting classifications of pathogenicity. Review status: criteria provided, conflicting classifications (1 of 4 stars). 4 submissions from 4 submitters: Likely pathogenic (2); Uncertain significance (1). 1 of the submissions does not count toward it. Last evaluated 2025-12-08.

Conditions:
Marfan syndrome (MFS). Also called: FBN1-Related Marfan Syndrome; MARFAN SYNDROME, TYPE I; Marfan syndrome type 1; Marfan's syndrome; Marfan syndrome, classic. Identifiers: Orphanet 284963, Orphanet 558, MedGen C0024796, MONDO:0007947, OMIM 154700.
Familial thoracic aortic aneurysm and aortic dissection (TAAD). Also called: Thoracic aortic aneurysms and dissections. Identifiers: Orphanet 91387, MedGen C4707243, MONDO:0019625.

Submissions (4):

Ambry Genetics
Classification: Likely pathogenic for Familial thoracic aortic aneurysm and aortic dissection. Last evaluated: 2025-12-08. Review status: criteria provided, single submitter. Criteria: Ambry Variant Classification Scheme 2023. Collection method: clinical testing. Allele origin: germline.
Comment: The p.R954L variant (also known as c.2861G>T), located in coding exon 24 of the FBN1 gene, results from a G to T substitution at nucleotide position 2861. The arginine at codon 954 is replaced by leucine, an amino acid with dissimilar properties. This variant has been identified in individuals with features consistent with Marfan syndrome and related fibrillinopathies (Gong B et al. Mol Genet Genomic Med, 2019 Apr;7:e00594; Ambry internal data). Other variant(s) at the same codon, p.R954H (c.2861G>A) have been identified in individual(s) with features consistent with Marfan syndrome and related fibrillinopathies (S&ouml;ylen B et al. Clin Genet, 2009 Mar;75:265-70; Nayak SS et al. Sci Rep, 2021 Jan;11:764; Ambry internal data). This amino acid position is highly conserved in available vertebrate species. In addition, this alteration is predicted to be deleterious by in silico analysis. This variant is considered to be rare based on population cohorts in the Genome Aggregation Database (gnomAD). Based on the majority of available evidence to date, this variant is likely to be pathogenic.

Labcorp Genetics (formerly Invitae), Labcorp
Classification: Likely pathogenic for Marfan syndrome; Familial thoracic aortic aneurysm and aortic dissection. Last evaluated: 2024-01-16. Review status: criteria provided, single submitter. Criteria: Invitae Variant Classification Sherloc (09022015). Collection method: clinical testing. Allele origin: germline.
Comment: This sequence change replaces arginine, which is basic and polar, with leucine, which is neutral and non-polar, at codon 954 of the FBN1 protein (p.Arg954Leu). This variant is not present in population databases (gnomAD no frequency). This missense change has been observed in individuals with clinical features of Marfan syndrome (PMID: 30838813; Invitae). ClinVar contains an entry for this variant (Variation ID: 1029664). Advanced modeling of protein sequence and biophysical properties (such as structural, functional, and spatial information, amino acid conservation, physicochemical variation, residue mobility, and thermodynamic stability) performed at Invitae indicates that this missense variant is expected to disrupt FBN1 protein function with a positive predictive value of 95%. In summary, the currently available evidence indicates that the variant is pathogenic, but additional data are needed to prove that conclusively. Therefore, this variant has been classified as Likely Pathogenic.

Blueprint Genetics
Classification: Uncertain significance. Last evaluated: 2018-10-16. Review status: criteria provided, single submitter. Criteria: ACMG Guidelines, 2015. Collection method: clinical testing. Allele origin: germline.

Baylor Genetics
Classification: Uncertain significance for Marfan syndrome. Last evaluated: 2020-01-03. Review status: flagged submission. Criteria: ACMG Guidelines, 2015. Collection method: clinical testing. Allele origin: unknown. Affected: yes. Not counted in ClinVar's aggregate classification.
Comment: This variant was determined to be of uncertain significance according to ACMG Guidelines, 2015 [PMID:25741868].
ClinVar note: Reason: Older claim that does not account for recent evidence

Literature cited by the submitters: PubMed 30838813 (cited by Ambry Genetics and Labcorp Genetics (formerly Invitae), Labcorp).

NM_000138.5(FBN1):c.2861G>T (p.Arg954Leu)

Gene: FBN1 (fibrillin 1; minus strand). Cytogenetic location: 15q21.1.
Variant type: single nucleotide variant.
Coding change: c.2861G>T on transcript NM_000138.5 (MANE Select); coding-DNA position 2861, G replaced by T.
Protein change: p.Arg954Leu; replaces arginine 954 with leucine.
Molecular consequence: missense variant.
Genome position (GRCh38, 1-based): chr15:48,490,072, C>A on the plus strand (G>T on the coding strand, the complement: FBN1 is on the minus strand). VCF-style: chr15-48490072-C-A. GRCh37 (hg19) VCF-style: chr15-48782269-C-A.
Other names: short protein forms R954L.
Identifiers: ClinVar variation 1029664 (VCV001029664.6), dbSNP rs112911555, ClinGen allele CA392330204.